The following is an entry in ClinVar:

NM_001379081.2(FREM1):c.5205-1G>A

Gene: FREM1 (FRAS1 related extracellular matrix 1; minus strand). Cytogenetic location: 9p22.3.
Variant type: single nucleotide variant.
Coding change: c.5205-1G>A on transcript NM_001379081.2 (MANE Select); the canonical splice acceptor site of the intron before coding-DNA position 5205, G replaced by A.
Molecular consequence: splice acceptor variant.
Genome position (GRCh38, 1-based): chr9:14,759,902, C>T on the plus strand (G>A on the coding strand, the complement: FREM1 is on the minus strand). VCF-style: chr9-14759902-C-T. GRCh37 (hg19) VCF-style: chr9-14759900-C-T.
Other names: c.5205-1G>A (NM_144966.7); c.813-1G>A (NM_001370061.2, NM_001370058.2, NM_001177704.3).
Identifiers: ClinVar variation 3356066 (VCV003356066.2).

ClinVar aggregate classification (germline): Likely pathogenic. Review status: criteria provided, single submitter (1 of 4 stars). 2 submissions from 2 submitters: Likely pathogenic (1). 1 of the submissions does not count toward it. Last evaluated 2022-08-08.

Conditions:
BNAR syndrome. Also called: Bifid Nose With or Without Anorectal and Renal Anomalies (BNAR) Syndrome. Identifiers: Orphanet 217266, MedGen C2750433, MONDO:0012165, OMIM 608980.
Oculotrichoanal syndrome (MOTA). Also called: MARLES SYNDROME; Manitoba Oculotrichoanal (MOTA) Syndrome. Identifiers: Orphanet 2717, MedGen C1855425, MONDO:0009560, OMIM 248450.
Trigonocephaly 2 (TRIGNO2). Identifiers: Orphanet 3366, MedGen C3280974, MONDO:0013774, OMIM 614485.
FREM1-related disorder. Also called: FREM1-Related Disorders; FREM1-related condition.

gnomAD v4.1: 40 of 1,607,804 alleles (0.0025%); highest among the groups gnomAD compares: Non-Finnish European, 0.0031%; no homozygotes.

Submissions (2):

Department of Pathology and Laboratory Medicine, Sinai Health System
Classification: Likely pathogenic for BNAR syndrome; Oculotrichoanal syndrome; Trigonocephaly 2. Last evaluated: 2022-08-08. Review status: criteria provided, single submitter. Criteria: ACMG Guidelines, 2015. Collection method: research. Allele origin: germline.

PreventionGenetics, part of Exact Sciences
Classification: Likely pathogenic for FREM1-related condition. Last evaluated: 2024-06-25. Review status: no assertion criteria provided. Collection method: clinical testing. Allele origin: germline. Not counted in ClinVar's aggregate classification.
Comment: The FREM1 c.5205-1G>A variant is predicted to disrupt the AG splice acceptor site and interfere with normal splicing. To our knowledge, this variant has not been reported in the literature. This variant is reported in 0.0027% of alleles in individuals of European (non-Finnish) descent in gnomAD. Variants that disrupt the consensus splice acceptor site in FREM1 are expected to be pathogenic. This variant is interpreted as likely pathogenic.